The following is an entry in ClinVar:

ClinVar aggregate classification (germline): Uncertain significance. Review status: criteria provided, multiple submitters, no conflicts (2 of 4 stars). 5 submissions from 5 submitters: Uncertain significance (5). Last evaluated 2025-09-25.

Conditions:
CHEK2-related cancer predisposition (TPDS4). Also called: CHEK2-related cancer susceptibility; TUMOR PREDISPOSITION SYNDROME 4; CANCER PREDISPOSITION SYNDROME, CHEK2-RELATED. Identifiers: Orphanet 524, MedGen C5882668, MONDO:0700271, OMIM 609265.
Familial prostate cancer. Also called: Hereditary Prostate Cancer. Identifiers: MedGen C2931456, MONDO:0700275, OMIM 176807.
Familial cancer of breast. Also called: BREAST CANCER, FAMILIAL; hereditary breast carcinoma; Hereditary breast cancer. Identifiers: Orphanet 227535, MedGen C0346153, MONDO:0016419, OMIM 114480. Disease mechanism: loss of function.
Hereditary cancer-predisposing syndrome. Also called: Neoplastic Syndromes, Hereditary; Tumor predisposition; Hereditary Cancer Syndrome; Hereditary neoplastic syndrome. Identifiers: Orphanet 140162, MedGen C0027672, MeSH D009386, MONDO:0015356.

Allele frequency attached by ClinVar (database versions not stated): gnomAD exomes below 0.00001.
gnomAD v4.1: 7 of 1,613,914 alleles (0.00043%); highest among the groups gnomAD compares: Non-Finnish European, 0.00051%; no homozygotes.

Submissions (5):

Ambry Genetics
Classification: Uncertain significance for Hereditary cancer-predisposing syndrome. Last evaluated: 2025-09-25. Review status: criteria provided, single submitter. Criteria: Ambry Variant Classification Scheme 2023. Collection method: clinical testing. Allele origin: germline.
Comment: The p.P393R variant (also known as c.1178C>G), located in coding exon 10 of the CHEK2 gene, results from a C to G substitution at nucleotide position 1178. The proline at codon 393 is replaced by arginine, an amino acid with dissimilar properties. This amino acid position is highly conserved in available vertebrate species. In addition, this alteration is predicted to be deleterious by in silico analysis. Based on the available evidence, the clinical significance of this variant remains unclear.

Labcorp Genetics (formerly Invitae), Labcorp
Classification: Uncertain significance for Familial cancer of breast. Last evaluated: 2024-05-19. Review status: criteria provided, single submitter. Criteria: Invitae Variant Classification Sherloc (09022015). Collection method: clinical testing. Allele origin: germline.
Comment: This sequence change replaces proline, which is neutral and non-polar, with arginine, which is basic and polar, at codon 393 of the CHEK2 protein (p.Pro393Arg). This variant is not present in population databases (gnomAD no frequency). This variant has not been reported in the literature in individuals affected with CHEK2-related conditions. ClinVar contains an entry for this variant (Variation ID: 489873). An algorithm developed to predict the effect of missense changes on protein structure and function (PolyPhen-2) suggests that this variant is likely to be disruptive. In summary, the available evidence is currently insufficient to determine the role of this variant in disease. Therefore, it has been classified as a Variant of Uncertain Significance.

Department of Pathology and Laboratory Medicine, Sinai Health System
Classification: Uncertain significance for Familial prostate cancer; CHEK2-related cancer predisposition. Last evaluated: 2023-10-13. Review status: criteria provided, single submitter. Criteria: ACMG Guidelines, 2015. Collection method: clinical testing. Allele origin: germline. Affected: yes.

Genetics and Molecular Pathology, SA Pathology
Classification: Uncertain significance for Familial cancer of breast. Last evaluated: 2020-09-30. Review status: criteria provided, single submitter. Criteria: ACMG Guidelines, 2015. Collection method: clinical testing. Allele origin: germline. Affected: yes.

Color Diagnostics, LLC DBA Color Health
Classification: Uncertain significance for Hereditary cancer-predisposing syndrome. Last evaluated: 2019-01-16. Review status: criteria provided, single submitter. Criteria: ACMG Guidelines, 2015. Collection method: clinical testing. Allele origin: germline.

NM_007194.4(CHEK2):c.1178C>G (p.Pro393Arg)

Gene: CHEK2 (checkpoint kinase 2; minus strand). Cytogenetic location: 22q12.1.
Variant type: single nucleotide variant.
Coding change: c.1178C>G on transcript NM_007194.4 (MANE Select); coding-DNA position 1178, C replaced by G.
Protein change: p.Pro393Arg; replaces proline 393 with arginine.
Molecular consequence: missense variant.
Genome position (GRCh38, 1-based): chr22:28,695,791, G>C on the plus strand (C>G on the coding strand, the complement: CHEK2 is on the minus strand). VCF-style: chr22-28695791-G-C. GRCh37 (hg19) VCF-style: chr22-29091779-G-C.
Other names: c.1307C>G, p.Pro436Arg (NM_001005735.3); c.515C>G, p.Pro172Arg (NM_001257387.3); c.977C>G, p.Pro326Arg (NM_001349956.3); c.1091C>G, p.Pro364Arg (NM_145862.3); short protein forms P393R, P172R, P364R, P326R, P436R.
Identifiers: ClinVar variation 489873 (VCV000489873.11), dbSNP rs730881690, ClinGen allele CA411096812.